The following is an entry in ClinVar:

ClinVar aggregate classification (germline): Conflicting classifications of pathogenicity. Review status: criteria provided, conflicting classifications (1 of 4 stars). 4 submissions from 4 submitters: Uncertain significance (3); Likely benign (1). Last evaluated 2026-01-19.

Conditions:
DEPDC5-related disorder. Also called: DEPDC5-related condition; DEPDC5-related related disorder.
Familial focal epilepsy with variable foci (FPEVF). Identifiers: Orphanet 98820, MedGen C1858477, MONDO:0020310.
Inborn genetic diseases. Identifiers: MedGen C0950123, MeSH D030342.

Allele frequency attached by ClinVar (database versions not stated): ExAC 0.00005; ESP Exome Variant Server 0.00008; gnomAD exomes 0.00008 and 0.00017; gnomAD 0.00009; TOPMed 0.00012.
gnomAD v4.1: 257 of 1,613,910 alleles (0.016%); highest among the groups gnomAD compares: Non-Finnish European, 0.021%; no homozygotes.

Submissions (4):

Labcorp Genetics (formerly Invitae), Labcorp
Classification: Uncertain significance for Familial focal epilepsy with variable foci. Last evaluated: 2026-01-19. Review status: criteria provided, single submitter. Criteria: Invitae Variant Classification Sherloc (09022015). Collection method: clinical testing. Allele origin: germline.
Comment: This sequence change replaces aspartic acid, which is acidic and polar, with glycine, which is neutral and non-polar, at codon 1578 of the DEPDC5 protein (p.Asp1578Gly). This variant is present in population databases (rs201347461, gnomAD 0.02%). This variant has not been reported in the literature in individuals affected with DEPDC5-related conditions. ClinVar contains an entry for this variant (Variation ID: 407343). Experimental studies and prediction algorithms are not available or were not evaluated, and the functional significance of this variant is currently unknown. In summary, the available evidence is currently insufficient to determine the role of this variant in disease. Therefore, it has been classified as a Variant of Uncertain Significance.

GeneDx
Classification: Uncertain significance. Last evaluated: 2025-08-15. Review status: criteria provided, single submitter. Criteria: GeneDx Variant Classification Process June 2021. Collection method: clinical testing. Allele origin: germline. Affected: yes.
Comment: In silico analysis supports that this missense variant has a deleterious effect on protein structure/function; Has not been previously published as pathogenic or benign to our knowledge

PreventionGenetics, part of Exact Sciences
Classification: Uncertain significance for DEPDC5-related condition. Last evaluated: 2023-09-28. Review status: criteria provided, single submitter. Criteria: ACMG Guidelines, 2015. Collection method: clinical testing. Allele origin: germline.
Comment: The DEPDC5 c.4733A>G variant is predicted to result in the amino acid substitution p.Asp1578Gly. To our knowledge, this variant has not been reported in the literature. This variant is reported in 0.018% of alleles in individuals of European (Non-Finnish) descent in gnomAD, which is more common than expected for a primary cause of disease. Although we suspect that this variant may be benign, at this time, the clinical significance of this variant is uncertain due to the absence of conclusive functional and genetic evidence.

Ambry Genetics
Classification: Likely benign for Inborn genetic diseases. Last evaluated: 2023-02-15. Review status: criteria provided, single submitter. Criteria: Ambry Variant Classification Scheme 2023. Collection method: clinical testing. Allele origin: germline.

NM_001242896.3(DEPDC5):c.4733A>G (p.Asp1578Gly)

Gene: DEPDC5 (DEP domain containing 5, GATOR1 subcomplex subunit; plus strand). Cytogenetic location: 22q12.3.
Variant type: single nucleotide variant.
Coding change: c.4733A>G on transcript NM_001242896.3 (MANE Select); coding-DNA position 4733, A replaced by G.
Protein change: p.Asp1578Gly; replaces aspartic acid 1578 with glycine.
Molecular consequence: missense variant. On other transcripts: non-coding transcript variant (5).
Genome position (GRCh38, 1-based): chr22:31,906,418, A>G. VCF-style: chr22-31906418-A-G. GRCh37 (hg19) VCF-style: chr22-32302404-A-G.
Other names: c.4706A>G, p.Asp1569Gly (NM_001136029.4); c.4433A>G, p.Asp1478Gly (NM_001242897.2); c.4667A>G, p.Asp1556Gly (NM_001363852.2, NM_001364320.2); c.4499A>G, p.Asp1500Gly (NM_001363854.2, NM_001364319.2); c.4733A>G, p.Asp1578Gly (NM_001364318.2); c.4649A>G, p.Asp1550Gly (NM_001369901.1, NM_001369902.1); c.4640A>G, p.Asp1547Gly (NM_001369903.1, NM_014662.6); short protein forms D1578G, D1478G, D1500G, D1550G, D1556G, D1547G, D1569G.
Identifiers: ClinVar variation 407343 (VCV000407343.16), dbSNP rs201347461, ClinGen allele CA10197325.